The following is an entry in ClinVar:

NM_000260.4(MYO7A):c.5368C>T (p.Arg1790Cys)

Gene: MYO7A (myosin VIIA; plus strand). Cytogenetic location: 11q13.5.
Variant type: single nucleotide variant.
Coding change: c.5368C>T on transcript NM_000260.4 (MANE Select); coding-DNA position 5368, C replaced by T.
Protein change: p.Arg1790Cys; replaces arginine 1790 with cysteine.
Molecular consequence: missense variant.
Genome position (GRCh38, 1-based): chr11:77,204,117, C>T. VCF-style: chr11-77204117-C-T. GRCh37 (hg19) VCF-style: chr11-76915162-C-T.
Other names: c.5254C>T, p.Arg1752Cys (NM_001127180.2); c.5221C>T, p.Arg1741Cys (NM_001369365.1); short protein forms R1741C, R1752C, R1790C.
Identifiers: ClinVar variation 846738 (VCV000846738.11), dbSNP rs777954362, ClinGen allele CA6198693.

ClinVar aggregate classification (germline): Uncertain significance. Review status: criteria provided, multiple submitters, no conflicts (2 of 4 stars). 5 submissions from 5 submitters: Uncertain significance (4). 1 of the submissions does not count toward it. Last evaluated 2026-07-02.

Conditions:
Inborn genetic diseases. Identifiers: MedGen C0950123, MeSH D030342.
Autosomal recessive nonsyndromic hearing loss 2. Also called: DEAFNESS, AUTOSOMAL RECESSIVE 2; NEUROSENSORY NONSYNDROMIC RECESSIVE DEAFNESS 2. Identifiers: Orphanet 90636, MedGen C1838701, MONDO:0010807, OMIM 600060.
Usher syndrome type 1 (USH1). Also called: RETINITIS PIGMENTOSA AND CONGENITAL DEAFNESS. Identifiers: Orphanet 231169, Orphanet 886, MedGen C1568247, MONDO:0010168, OMIM 276900.
Usher syndrome type 1B (USH1B). Also called: Usher syndrome type IB. Identifiers: MedGen C1848638, MONDO:0700087.

Allele frequency attached by ClinVar (database versions not stated): gnomAD exomes 0.00002 and 0.00004; TOPMed 0.00002; gnomAD 0.00003; ExAC 0.00007.
gnomAD v4.1: 29 of 1,600,582 alleles (0.0018%); highest among the groups gnomAD compares: East Asian, 0.032%; no homozygotes.

Submissions (5):

Myriad Genetics, Inc.
Classification: Uncertain significance for Usher syndrome type 1. Last evaluated: 2026-07-02. Review status: criteria provided, single submitter. Criteria: Myriad Autosomal Dominant, Autosomal Recessive and X-Linked Classification Criteria (2023). Collection method: clinical testing. Allele origin: unknown.
Comment: NM_000260.3(MYO7A):c.5368C>T(R1790C) is a missense variant classified as a variant of uncertain significance in the context of MYO7A-related disorders. R1790C has been observed in a case with relevant disease (PMID: 39640791). Relevant functional assessments of this variant are not available in the literature. R1790C has been observed in referenced population frequency databases. In summary, there is insufficient evidence to classify NM_000260.3(MYO7A):c.5368C>T(R1790C) as pathogenic or benign. Please note: this variant was assessed in the context of healthy population screening.

Ambry Genetics
Classification: Uncertain significance for Inborn genetic diseases. Last evaluated: 2025-08-20. Review status: criteria provided, single submitter. Criteria: Ambry Variant Classification Scheme 2023. Collection method: clinical testing. Allele origin: germline.

Labcorp Genetics (formerly Invitae), Labcorp
Classification: Uncertain significance. Last evaluated: 2025-07-03. Review status: criteria provided, single submitter. Criteria: Invitae Variant Classification Sherloc (09022015). Collection method: clinical testing. Allele origin: germline.
Comment: This sequence change replaces arginine, which is basic and polar, with cysteine, which is neutral and slightly polar, at codon 1790 of the MYO7A protein (p.Arg1790Cys). The frequency data for this variant in the population databases is considered unreliable, as metrics indicate poor data quality at this position in the gnomAD database. This variant has not been reported in the literature in individuals affected with MYO7A-related conditions. ClinVar contains an entry for this variant (Variation ID: 846738). Invitae Evidence Modeling of protein sequence and biophysical properties (such as structural, functional, and spatial information, amino acid conservation, physicochemical variation, residue mobility, and thermodynamic stability) has been performed for this missense variant. However, the output from this modeling did not meet the statistical confidence thresholds required to predict the impact of this variant on MYO7A protein function. In summary, the available evidence is currently insufficient to determine the role of this variant in disease. Therefore, it has been classified as a Variant of Uncertain Significance.

Genome-Nilou Lab
Classification: Uncertain significance for Autosomal recessive nonsyndromic hearing loss 2. Last evaluated: 2021-07-22. Review status: criteria provided, single submitter. Criteria: ACMG Guidelines, 2015. Collection method: clinical testing. Allele origin: germline. Affected: no.

Natera, Inc.
Classification: Uncertain significance for Usher syndrome type 1B. Last evaluated: 2020-09-16. Review status: no assertion criteria provided. Collection method: clinical testing. Allele origin: germline. Not counted in ClinVar's aggregate classification.

Literature cited by the submitters: PubMed 39640791 (cited by Myriad Genetics, Inc.).